The following is an entry in ClinVar:

NM_004336.5(BUB1):c.1009G>A (p.Ala337Thr)

Gene: BUB1 (BUB1 mitotic checkpoint serine/threonine kinase; minus strand). Cytogenetic location: 2q13.
Variant type: single nucleotide variant.
Coding change: c.1009G>A on transcript NM_004336.5 (MANE Select); coding-DNA position 1009, G replaced by A.
Protein change: p.Ala337Thr; replaces alanine 337 with threonine.
Molecular consequence: missense variant.
Genome position (GRCh38, 1-based): chr2:110,661,790, C>T on the plus strand (G>A on the coding strand, the complement: BUB1 is on the minus strand). VCF-style: chr2-110661790-C-T. GRCh37 (hg19) VCF-style: chr2-111419367-C-T.
Other names: c.949G>A, p.Ala317Thr (NM_001278616.2); c.1009G>A, p.Ala337Thr (NM_001278617.2); short protein forms A317T, A337T.
Identifiers: ClinVar variation 1795096 (VCV001795096.3), dbSNP rs147435577, ClinGen allele CA1828178.

ClinVar aggregate classification (germline): Uncertain significance (1 of 4 stars; one submission).

Allele frequency attached by ClinVar (database versions not stated): gnomAD exomes 0.00001; ExAC 0.00002; ESP Exome Variant Server 0.00008; gnomAD 0.00011; TOPMed 0.00011.
gnomAD v4.1: 41 of 1,614,230 alleles (0.0025%); highest among the groups gnomAD compares: African/African-American, 0.024%; no homozygotes.

Submission:

Ambry Genetics
Classification: Uncertain significance. Last evaluated: 2024-09-13. Review status: criteria provided, single submitter. Criteria: Ambry Variant Classification Scheme 2023. Collection method: clinical testing. Allele origin: germline.
Comment: The p.A337T variant (also known as c.1009G>A), located in coding exon 10 of the BUB1 gene, results from a G to A substitution at nucleotide position 1009. The alanine at codon 337 is replaced by threonine, an amino acid with similar properties. This amino acid position is conserved. In addition, this alteration is predicted to be tolerated by in silico analysis. Since supporting evidence is limited at this time, the clinical significance of this alteration remains unclear.